The following is an entry in ClinVar:

NC_000023.10:g.(?_31462578)_(31986651_?)del

Gene: DMD (dystrophin; minus strand). Cytogenetic location: Xp21.2-21.1.
Variant type: Deletion.
Identifiers: ClinVar variation 1072086 (VCV001072086.9).

ClinVar aggregate classification (germline): Pathogenic (1 of 4 stars; one submission).

Conditions:
Duchenne muscular dystrophy (DMD). Also called: MUSCULAR DYSTROPHY, PSEUDOHYPERTROPHIC PROGRESSIVE, DUCHENNE TYPE; Duchenne Muscular Dystrophy (DMD). Identifiers: Orphanet 98896, MedGen C0013264, MONDO:0010679, OMIM 310200.

Submission:

Labcorp Genetics (formerly Invitae), Labcorp
Classification: Pathogenic for Duchenne muscular dystrophy. Last evaluated: 2022-07-11. Review status: criteria provided, single submitter. Criteria: Invitae Variant Classification Sherloc (09022015). Collection method: clinical testing. Allele origin: germline.
Comment: For these reasons, this variant has been classified as Pathogenic. A similar copy number variant has been observed in individuals with DMD-related dystrophinopathies (PMID: 14514278, 15976104, 17259292). This variant is a gross deletion of the genomic region encompassing exon(s) 45-60 of the DMD gene. This variant would be expected to be in-frame, preserving the integrity of the reading frame.

Literature cited by the submitters: PubMed 14514278; PubMed 15976104; PubMed 17259292.